The following is an entry in ClinVar:

NM_019098.5(CNGB3):c.1855C>G (p.Leu619Val)

Gene: CNGB3 (cyclic nucleotide gated channel subunit beta 3; minus strand). Cytogenetic location: 8q21.3.
Variant type: single nucleotide variant.
Coding change: c.1855C>G on transcript NM_019098.5 (MANE Select); coding-DNA position 1855, C replaced by G.
Protein change: p.Leu619Val; replaces leucine 619 with valine.
Molecular consequence: missense variant.
Genome position (GRCh38, 1-based): chr8:86,579,179, G>C on the plus strand (C>G on the coding strand, the complement: CNGB3 is on the minus strand). VCF-style: chr8-86579179-G-C. GRCh37 (hg19) VCF-style: chr8-87591407-G-C.
Other names: short protein forms L619V.
Identifiers: ClinVar variation 1448261 (VCV001448261.4), dbSNP rs762859434, ClinGen allele CA4799879.
Genomic context (GRCh38, chr8:86,579,179, plus strand): 5'-TGAGGATCCTTTCAGAATCTGGATAATGCACTAGAATTTCTTGGAGGGTCTTTTTGTCTA[G>C]AGTTAAAAGATTGGCAAACCCGTGGGCCACCACATTGGCAGTTCGACGGTTTCCTCCTCC-3'
Protein context (NP_061971.3, residues 609-629): VAHGFANLLT[Leu619Val]DKKTLQEILV

ClinVar aggregate classification (germline): Uncertain significance. Review status: criteria provided, multiple submitters, no conflicts (2 of 4 stars). 2 submissions from 2 submitters: Uncertain significance (2). Last evaluated 2022-07-26.

Allele frequency attached by ClinVar (database versions not stated): TOPMed 0.00001; ExAC 0.00007.
gnomAD v4.1: 12 of 1,614,136 alleles (0.00074%); highest among the groups gnomAD compares: Admixed American, 0.017%; no homozygotes.

Submissions (2):

Labcorp Genetics (formerly Invitae), Labcorp
Classification: Uncertain significance. Last evaluated: 2022-07-26. Review status: criteria provided, single submitter. Criteria: Invitae Variant Classification Sherloc (09022015). Collection method: clinical testing. Allele origin: germline.
Comment: This sequence change replaces leucine, which is neutral and non-polar, with valine, which is neutral and non-polar, at codon 619 of the CNGB3 protein (p.Leu619Val). This variant is present in population databases (rs762859434, gnomAD 0.02%). This variant has not been reported in the literature in individuals affected with CNGB3-related conditions. ClinVar contains an entry for this variant (Variation ID: 1448261). Advanced modeling of protein sequence and biophysical properties (such as structural, functional, and spatial information, amino acid conservation, physicochemical variation, residue mobility, and thermodynamic stability) performed at Invitae indicates that this missense variant is expected to disrupt CNGB3 protein function. In summary, the available evidence is currently insufficient to determine the role of this variant in disease. Therefore, it has been classified as a Variant of Uncertain Significance.

Blueprint Genetics
Classification: Uncertain significance. Last evaluated: 2019-08-16. Review status: criteria provided, single submitter. Criteria: ACMG Guidelines, 2015. Collection method: clinical testing. Allele origin: germline.